The following is an entry in ClinVar:

ClinVar aggregate classification (germline): Likely pathogenic (1 of 4 stars; one submission).

Conditions:
Ehlers-Danlos syndrome, dermatosparaxis type. Also called: EDS VIIC; Dermatosparaxis; Ehlers-Danlos syndrome, type VII, autosomal recessive. Identifiers: Orphanet 1901, MedGen C2700425, MONDO:0009161, OMIM 225410.

Submission:

Myriad Genetics, Inc.
Classification: Likely pathogenic for Ehlers-Danlos syndrome, dermatosparaxis type. Last evaluated: 2022-03-03. Review status: criteria provided, single submitter. Criteria: Myriad Women's Health Autosomal Recessive and X-Linked Classification Criteria (2021). Collection method: clinical testing. Allele origin: unknown.
Comment: NM_014244.4(ADAMTS2):c.28_29ins11(R10Qfs*159) is expected to be pathogenic in the context of Ehlers-Danlos syndrome type VIIC. This variant is predicted to lead to an abnormal or absent protein product due to the creation of a premature termination codon in ADAMTS2, a gene where loss-of-function variants are known to be pathogenic. Please note: this variant was assessed in the context of healthy population screening.

NM_014244.5(ADAMTS2):c.28_29insAGATGTGTATA (p.Arg10fs)

Gene: ADAMTS2 (ADAM metallopeptidase with thrombospondin type 1 motif 2; minus strand). Cytogenetic location: 5q35.3.
Variant type: Insertion.
Coding change: c.28_29insAGATGTGTATA on transcript NM_014244.5 (MANE Select); coding-DNA positions 28 to 29, AGATGTGTATA inserted.
Protein change: p.Arg10fs; shifts the reading frame from arginine 10.
Molecular consequence: frameshift variant.
Genome position: GRCh38 VCF-style: chr5-179345300-C-CTATACACATCT. GRCh37 (hg19) VCF-style: chr5-178772301-C-CTATACACATCT.
Other names: c.28_29insAGATGTGTATA, p.Arg10fs (NM_021599.4); short protein forms R10fs.
Identifiers: ClinVar variation 1724934 (VCV001724934.2), dbSNP rs2532193799, ClinGen allele CA2580074179.